The following is an entry in ClinVar:

ClinVar aggregate classification (germline): Conflicting classifications of pathogenicity. Review status: criteria provided, conflicting classifications (1 of 4 stars). 9 submissions from 8 submitters: Uncertain significance (2); Likely benign (4). 3 of the submissions do not count toward it. Last evaluated 2026-02-01.

Conditions:
Distal spinal muscular atrophy. Also called: Distal hereditary motor neuropathy; Distal hereditary motor neuronopathy. Identifiers: Orphanet 53739, MedGen C0393541, MONDO:0018894.
Charcot-Marie-Tooth disease type 4. Also called: Charcot-Marie-Tooth disease, type IV; Charcot-Marie-Tooth, Type 4. Identifiers: Orphanet 64749, MedGen C4082197, MONDO:0018995.
Hereditary spastic paraplegia. Also called: Familial spastic paraparesis. Identifiers: Orphanet 685, MedGen C0037773, MONDO:0019064. Disease mechanism: loss of function.
Charcot-Marie-Tooth disease. Also called: Charcot-Marie-Tooth Hereditary Neuropathy; Charcot-Marie-Tooth Neuropathy. Identifiers: Orphanet 166, MedGen C0007959, MONDO:0015626.
Tip-toe gait. Also called: Toe walking. Identifiers: MedGen C0427144, HP:0030051.

Submissions (9):

Labcorp Genetics (formerly Invitae), Labcorp
Classification: Likely benign for Charcot-Marie-Tooth disease type 4. Last evaluated: 2026-02-01. Review status: criteria provided, single submitter. Criteria: Invitae Variant Classification Sherloc (09022015). Collection method: clinical testing. Allele origin: germline.

Women's Health and Genetics/Laboratory Corporation of America, LabCorp
Classification: Likely benign. Last evaluated: 2025-10-03. Review status: criteria provided, single submitter. Criteria: LabCorp Variant Classification Summary - May 2015. Collection method: clinical testing. Allele origin: germline.
Comment: Variant summary: SH3TC2 c.1402_1403delinsTT (p.Ala468Phe) results in a non-conservative amino acid change in the encoded protein sequence. Algorithms developed to predict the effect of missense changes on protein structure and function are either unavailable or do not agree on the potential impact of this missense change. The variant allele was found at a frequency of 0.0037 in 282536 control chromosomes in the gnomAD database, including 3 homozygotes. The observed variant frequency exceeds the estimated maximal expected allele frequency for disease-causing variants in SH3TC2. To our knowledge, no occurrence of c.1402_1403delinsTT in individuals affected with SH3TC2-related conditions and no experimental evidence demonstrating its impact on protein function have been reported. ClinVar contains an entry for this variant (Variation ID: 216737). Based on the evidence outlined above, the variant was classified as likely benign.

ARUP Laboratories, Molecular Genetics and Genomics, ARUP Laboratories
Classification: Likely benign. Last evaluated: 2024-04-08. Review status: criteria provided, single submitter. Criteria: ARUP Molecular Germline Variant Investigation Process 2024. Collection method: clinical testing. Allele origin: germline.

Practice for Gait Abnormalities, David Pomarino, Competency Network Toe Walking C/o Practice Pomarino
Classification: Uncertain significance for Tip-toe gait. Last evaluated: 2021-02-17. Review status: criteria provided, single submitter. Criteria: ACMG Guidelines, 2015. Collection method: clinical testing. Allele origin: unknown. Affected: yes.
Comment: Hereditary motor sensory neuropathy (HMSN), also known as Charcot-Marie-Tooth Disease (CMT), is the most commonly inherited peripheral polyneuropathy. It constitutes a group of inherited, progressive, motor and sensory peripheral nerve disorders with properties of demyelination, axonal degeneration, or both. It is classified by clinical characteristics, modes of inheritance, electrophysiologic features, metabolic defects, and specific gene markers. Our patients all walk on tiptoe, so they show similar symptoms. When we genetically test them with our toe walking panel, we find that around 90 per cent of them have a genetic variant that explains their toe walking. These can be assigned, for example, to the area of myopathies (such as variants of the COL6A3 gene), the area of hereditary neuropathies (such as variants of the KMT2C gene) or the area of metabolic diseases (such as variants of the PYGM gene). In a smaller group of patients with almost identical symptoms, no abnormality is found in the genes of our panel, but spastic paraplegia can be detected. In another small group of our toe walkers, no abnormalities can be detected in the genes analysed in our toe walking panel, nor do they suffer from spastic paraplegia, as is also the case with healthy children. In contrast to these, however, they show a tiptoe gait. These patients suffer from infantile cerebral palsy, in which toe walking can also be observed.

CeGaT Center for Human Genetics Tuebingen
Classification: Likely benign. Last evaluated: 2020-03-01. Review status: criteria provided, single submitter. Criteria: CeGaT Center For Human Genetics Tuebingen Variant Classification Criteria Version 2. Collection method: clinical testing. Allele origin: germline. Affected: yes. Observed: 5 variant alleles.

Molecular Genetics Laboratory, London Health Sciences Centre
Classification: Uncertain significance for Charcot-Marie-Tooth disease. Review status: criteria provided, single submitter. Criteria: ACMG Guidelines, 2015. Collection method: clinical testing. Allele origin: germline. Affected: yes.

Genesis Genome Database
Classification: Uncertain significance for Charcot-Marie-Tooth disease. Last evaluated: 2019-08-14. Review status: no assertion criteria provided. Collection method: research. Allele origin: germline. Affected: yes. Not counted in ClinVar's aggregate classification.

Genesis Genome Database
Classification: Uncertain significance for Distal spinal muscular atrophy. Last evaluated: 2019-08-14. Review status: no assertion criteria provided. Collection method: research. Allele origin: germline. Affected: yes. Not counted in ClinVar's aggregate classification.

Inherited Neuropathy Consortium
Classification: Likely pathogenic for Hereditary spastic paraplegia. Review status: no assertion criteria provided. Collection method: provider interpretation. Allele origin: inherited. Affected: yes. Not counted in ClinVar's aggregate classification.

Literature cited by the submitters: DOI 10.3238/oup.2019.0380-0382 (cited by Practice for Gait Abnormalities, David Pomarino, Competency Network Toe Walking C/o Practice Pomarino); PubMed 37091313 (cited by Practice for Gait Abnormalities, David Pomarino, Competency Network Toe Walking C/o Practice Pomarino).

NM_024577.4(SH3TC2):c.1402_1403delinsTT (p.Ala468Phe)

Gene: SH3TC2 (SH3 domain and tetratricopeptide repeats 2; minus strand). Cytogenetic location: 5q32.
Variant type: Indel.
Coding change: c.1402_1403delinsTT on transcript NM_024577.4 (MANE Select); coding-DNA positions 1402 to 1403, GC replaced by TT.
Protein change: p.Ala468Phe; replaces alanine 468 with phenylalanine.
Molecular consequence: missense variant.
Genome position (GRCh38, 1-based): chr5:149,028,329-149,028,330, GC replaced by AA on the plus strand (GC replaced by TT on the coding strand, the reverse complement: SH3TC2 is on the minus strand). VCF-style: chr5-149028329-GC-AA. GRCh37 (hg19) VCF-style: chr5-148407892-GC-AA.
Other names: c.1402_1403delGCinsTT (NM_024577.3); short protein forms A468F.
Identifiers: ClinVar variation 216737 (VCV000216737.55), dbSNP rs863224780, ClinGen allele CA338731.